The following is an entry in ClinVar:

NM_000257.4(MYH7):c.1376T>C (p.Val459Ala)

Gene: MYH7 (myosin heavy chain 7; minus strand). Cytogenetic location: 14q11.2.
Variant type: single nucleotide variant.
Coding change: c.1376T>C on transcript NM_000257.4 (MANE Select); coding-DNA position 1376, T replaced by C.
Protein change: p.Val459Ala; replaces valine 459 with alanine.
Molecular consequence: missense variant.
Genome position (GRCh38, 1-based): chr14:23,428,986, A>G on the plus strand (T>C on the coding strand, the complement: MYH7 is on the minus strand). VCF-style: chr14-23428986-A-G. GRCh37 (hg19) VCF-style: chr14-23898195-A-G.
Other names: c.1376T>C, p.Val459Ala (NM_001407004.1); short protein forms V459A.
Identifiers: ClinVar variation 3636046 (VCV003636046.2).

ClinVar aggregate classification (germline): Uncertain significance (1 of 4 stars; one submission).

Conditions:
Hypertrophic cardiomyopathy. Also called: HYPERTROPHIC MYOCARDIOPATHY. Identifiers: Orphanet 217569, MedGen C0007194, MeSH D002312, MONDO:0005045, HP:0001639.

gnomAD v4.1: 1 of 1,613,738 alleles (0.000062%); highest among the groups gnomAD compares: East Asian, 0.0022%; no homozygotes.

Submission:

Labcorp Genetics (formerly Invitae), Labcorp
Classification: Uncertain significance for Hypertrophic cardiomyopathy. Last evaluated: 2025-10-14. Review status: criteria provided, single submitter. Criteria: Invitae Variant Classification Sherloc (09022015). Collection method: clinical testing. Allele origin: germline.
Comment: This sequence change replaces valine, which is neutral and non-polar, with alanine, which is neutral and non-polar, at codon 459 of the MYH7 protein (p.Val459Ala). This variant is not present in population databases (gnomAD no frequency). This variant has not been reported in the literature in individuals affected with MYH7-related conditions. ClinVar contains an entry for this variant (Variation ID: 3636046). Invitae Evidence Modeling of protein sequence and biophysical properties (such as structural, functional, and spatial information, amino acid conservation, physicochemical variation, residue mobility, and thermodynamic stability) indicates that this missense variant is expected to disrupt MYH7 protein function with a positive predictive value of 95%. This variant disrupts the p.Val459 amino acid residue in MYH7. Other variant(s) that disrupt this residue have been determined to be pathogenic (internal data). This suggests that this residue is clinically significant, and that variants that disrupt this residue are likely to be disease-causing. In summary, the available evidence is currently insufficient to determine the role of this variant in disease. Therefore, it has been classified as a Variant of Uncertain Significance.